The following is an entry in ClinVar:

NM_001024630.4(RUNX2):c.561del (p.Phe187fs)

Gene: RUNX2 (RUNX family transcription factor 2; plus strand). Cytogenetic location: 6p21.1.
Variant type: Deletion.
Coding change: c.561del on transcript NM_001024630.4 (MANE Select); coding-DNA position 561, one base deleted (T; older notation c.561delT).
Protein change: p.Phe187fs; shifts the reading frame from phenylalanine 187.
Molecular consequence: frameshift variant.
Genome position (GRCh38, 1-based): chr6:45,432,000, T deleted; the last of 3 consecutive T bases (chr6:45,431,998-45,432,000); deleting any one gives the same sequence. VCF-style (leftmost placement, unchanged base first): chr6-45431997-AT-A. GRCh37 (hg19) VCF-style: chr6-45399734-AT-A.
Other names: c.561del, p.Phe187fs (NM_001015051.4); c.519del, p.Phe173fs (NM_001278478.2, NM_001369405.1); short protein forms F173fs, F187fs.
Identifiers: ClinVar variation 3775537 (VCV003775537.1).

ClinVar aggregate classification (germline): Likely pathogenic (1 of 4 stars; one submission).

Conditions:
Cleidocranial dysostosis (CLCD1). Also called: cleidocranial dysplasia 1; Cleidocranial Dysplasia Spectrum Disorder; Marie-Sainton disease. Identifiers: Orphanet 1452, MedGen C0008928, MONDO:0007340, OMIM 119600.

Submission:

3billion
Classification: Likely pathogenic for Cleidocranial dysostosis. Last evaluated: 2023-08-15. Review status: criteria provided, single submitter. Criteria: ACMG Guidelines, 2015. Collection method: clinical testing. Allele origin: germline. Affected: yes.
Comment: The variant is not observed in the gnomAD v2.1.1 dataset. Predicted Consequence/Location: Frameshift: predicted to result in a loss or disruption of normal protein function through nonsense-mediated decay (NMD) or protein truncation. Multiple pathogenic variants are reported downstream of the variant. Therefore, this variant is classified as Likely pathogenic according to the recommendation of ACMG/AMP guideline.